The following is an entry in ClinVar:

ClinVar aggregate classification (germline): Uncertain significance (1 of 4 stars; one submission).

Submission:

Labcorp Genetics (formerly Invitae), Labcorp
Classification: Uncertain significance. Last evaluated: 2022-07-19. Review status: criteria provided, single submitter. Criteria: Invitae Variant Classification Sherloc (09022015). Collection method: clinical testing. Allele origin: germline.
Comment: In summary, the available evidence is currently insufficient to determine the role of this variant in disease. Therefore, it has been classified as a Variant of Uncertain Significance. Algorithms developed to predict the effect of missense changes on protein structure and function are either unavailable or do not agree on the potential impact of this missense change (SIFT: "Not Available"; PolyPhen-2: "Benign"; Align-GVGD: "Not Available"). ClinVar contains an entry for this variant (Variation ID: 1405822). This variant has not been reported in the literature in individuals affected with TIMM50-related conditions. This variant is not present in population databases (gnomAD no frequency). This sequence change replaces arginine, which is basic and polar, with glycine, which is neutral and non-polar, at codon 48 of the TIMM50 protein (p.Arg48Gly).

NC_000019.10:g.39480686A>G

Gene: TIMM50 (translocase of inner mitochondrial membrane 50; plus strand). Cytogenetic location: 19q13.2.
Variant type: single nucleotide variant.
Genome position: GRCh38 VCF-style: chr19-39480686-A-G. GRCh37 (hg19) VCF-style: chr19-39971326-A-G.
Identifiers: ClinVar variation 1405822 (VCV001405822.5), dbSNP rs1219513554, ClinGen allele CA405785430.